The following is an entry in ClinVar:

ClinVar aggregate classification (germline): Benign (1 of 4 stars; one submission).

Allele frequency attached by ClinVar (database versions not stated): TOPMed 0.33595; 1000 Genomes Project 30x 0.34182; 1000 Genomes Project 0.35044; gnomAD 0.35493.
gnomAD v4.1: 207,748 of 552,600 alleles (38%); highest among the groups gnomAD compares: East Asian, 54%; 40,217 homozygotes.

Submission:

GeneDx
Classification: Benign. Last evaluated: 2018-06-14. Review status: criteria provided, single submitter. Criteria: GeneDx Variant Classification (06012015). Collection method: clinical testing. Allele origin: germline. Affected: yes.
Comment: This variant is considered likely benign or benign based on one or more of the following criteria: it is a conservative change, it occurs at a poorly conserved position in the protein, it is predicted to be benign by multiple in silico algorithms, and/or has population frequency not consistent with disease.

NM_002103.5(GYS1):c.1170-217T>G

Gene: GYS1 (glycogen synthase 1; minus strand). Cytogenetic location: 19q13.33.
Variant type: single nucleotide variant.
Coding change: c.1170-217T>G on transcript NM_002103.5 (MANE Select); 217 bases into the intron before coding-DNA position 1170, T replaced by G.
Molecular consequence: intron variant.
Genome position (GRCh38, 1-based): chr19:48,978,374, A>C on the plus strand (T>G on the coding strand, the complement: GYS1 is on the minus strand). VCF-style: chr19-48978374-A-C. GRCh37 (hg19) VCF-style: chr19-49481631-A-C.
Other names: c.978-217T>G (NM_001161587.2).
Identifiers: ClinVar variation 681676 (VCV000681676.1), dbSNP rs8107231, ClinGen allele CA14663803.